The following is an entry in ClinVar:

NM_000525.4(KCNJ11):c.949C>T (p.Pro317Ser)

Gene: KCNJ11 (potassium inwardly rectifying channel subfamily J member 11; minus strand). Cytogenetic location: 11p15.1.
Variant type: single nucleotide variant.
Coding change: c.949C>T on transcript NM_000525.4 (MANE Select); coding-DNA position 949, C replaced by T.
Protein change: p.Pro317Ser; replaces proline 317 with serine.
Molecular consequence: missense variant.
Genome position (GRCh38, 1-based): chr11:17,387,143, G>A on the plus strand (C>T on the coding strand, the complement: KCNJ11 is on the minus strand). VCF-style: chr11-17387143-G-A. GRCh37 (hg19) VCF-style: chr11-17408690-G-A.
Other names: c.688C>T, p.Pro230Ser (NM_001166290.2, NM_001377296.1, NM_001377297.1); short protein forms P230S, P317S.
Identifiers: ClinVar variation 2574445 (VCV002574445.2), dbSNP rs1197405390, ClinGen allele CA379769686.

ClinVar aggregate classification (germline): Uncertain significance. Review status: criteria provided, multiple submitters, no conflicts (2 of 4 stars). 2 submissions from 2 submitters: Uncertain significance (2). Last evaluated 2023-10-04.

Allele frequency attached by ClinVar (database versions not stated): TOPMed below 0.00001; gnomAD 0.00001.
gnomAD v4.1: 3 of 1,614,070 alleles (0.00019%); highest among the groups gnomAD compares: Middle Eastern, 0.016%; no homozygotes.

Submissions (2):

Clinical Genetics Laboratory, Skane University Hospital Lund
Classification: Uncertain significance. Last evaluated: 2023-10-04. Review status: criteria provided, single submitter. Criteria: ACMG Guidelines, 2015. Collection method: clinical testing. Allele origin: germline. Affected: yes.

GeneDx
Classification: Uncertain significance. Last evaluated: 2023-01-30. Review status: criteria provided, single submitter. Criteria: GeneDx Variant Classification Process June 2021. Collection method: clinical testing. Allele origin: germline. Affected: yes.
Comment: Not observed at significant frequency in large population cohorts (gnomAD); In silico analysis supports that this missense variant has a deleterious effect on protein structure/function; Has not been previously published as pathogenic or benign to our knowledge